The following is an entry in ClinVar:

NM_000435.3(NOTCH3):c.1057_1071dup (p.Ser357_Asn358insAspAlaCysValSer)

Gene: NOTCH3 (notch receptor 3; minus strand). Cytogenetic location: 19p13.12.
Variant type: Duplication.
Coding change: c.1057_1071dup on transcript NM_000435.3 (MANE Select); coding-DNA positions 1057 to 1071, 15 bases duplicated (GACGCCTGTGTCAGC).
Protein change: p.Ser357_Asn358insAspAlaCysValSer.
Genome position (GRCh38, 1-based): chr19:15,189,394-15,189,408, GCTGACACAGGCGTC duplicated on the plus strand (GACGCCTGTGTCAGC on the coding strand, the reverse complement: NOTCH3 is on the minus strand). VCF-style (leftmost placement, unchanged base first): chr19-15189393-T-TGCTGACACAGGCGTC. GRCh37 (hg19) VCF-style: chr19-15300204-T-TGCTGACACAGGCGTC.
Identifiers: ClinVar variation 3723461 (VCV003723461.2).
Genomic context (GRCh38, chr19:15,189,393, plus strand): 5'-TGCAAATGGCCCGGCCGTTCACCGGATTTGTGTCACAGATAGCATCCTCGTGGCAGGGGT[T>TGCTGACACAGGCGTC]GCTGACACAGGCGTCATCCAGGTGACACAGGAGGCCTGGGAAGTGGTAAGCAGAAGTCAT-3'

ClinVar aggregate classification (germline): Uncertain significance (1 of 4 stars; one submission).

Submission:

Labcorp Genetics (formerly Invitae), Labcorp
Classification: Uncertain significance. Last evaluated: 2024-05-29. Review status: criteria provided, single submitter. Criteria: Invitae Variant Classification Sherloc (09022015). Collection method: clinical testing. Allele origin: germline.
Comment: This variant, c.1057_1071dup, results in the insertion of 5 amino acid(s) of the NOTCH3 protein (p.Asp353_Ser357dup), but otherwise preserves the integrity of the reading frame. This variant is not present in population databases (gnomAD no frequency). This variant has been observed in individuals with cerebral arteriopathy with subcortical infarcts and leukoencephalopathy 1 (PMID: 22159056; Invitae). Experimental studies and prediction algorithms are not available or were not evaluated, and the functional significance of this variant is currently unknown. In summary, the available evidence is currently insufficient to determine the role of this variant in disease. Therefore, it has been classified as a Variant of Uncertain Significance.

Literature cited by the submitters: PubMed 22159056.